The following is an entry in ClinVar:

ClinVar aggregate classification (germline): Uncertain significance (1 of 4 stars; one submission).

gnomAD v4.1: 1 of 1,591,380 alleles (0.000063%); no homozygotes.

Submission:

Ambry Genetics
Classification: Uncertain significance. Last evaluated: 2025-07-12. Review status: criteria provided, single submitter. Criteria: Ambry Variant Classification Scheme 2023. Collection method: clinical testing. Allele origin: germline.
Comment: The p.A44G variant (also known as c.131C>G), located in coding exon 1 of the RRAS gene, results from a C to G substitution at nucleotide position 131. The alanine at codon 44 is replaced by glycine, an amino acid with similar properties. This amino acid position is conserved. In addition, the in silico prediction for this alteration is inconclusive. Based on the available evidence, the clinical significance of this variant remains unclear.

NM_006270.5(RRAS):c.131C>G (p.Ala44Gly)

Gene: RRAS (RAS related; minus strand). Cytogenetic location: 19q13.33.
Variant type: single nucleotide variant.
Coding change: c.131C>G on transcript NM_006270.5 (MANE Select); coding-DNA position 131, C replaced by G.
Protein change: p.Ala44Gly; replaces alanine 44 with glycine.
Molecular consequence: missense variant.
Genome position (GRCh38, 1-based): chr19:49,639,968, G>C on the plus strand (C>G on the coding strand, the complement: RRAS is on the minus strand). VCF-style: chr19-49639968-G-C. GRCh37 (hg19) VCF-style: chr19-50143225-G-C.
Other names: short protein forms A44G.
Identifiers: ClinVar variation 4156988 (VCV004156988.1).
Genomic context (GRCh38, chr19:49,639,968, plus strand): 5'-GGTCCCGGGGGACACCCTCCCGGGTGAGGGCCCACTACCTGGATGAACTGGATGGTCAGC[G>C]CGCTCTTGCCCACGCCGCCGCCGCCCACGACCACCAGCTTGTGTGTCTCGCTGGGCGGGG-3'
Protein context (NP_006261.1, residues 34-54): VVGGGGVGKS[Ala44Gly]LTIQFIQSYF